The following is an entry in ClinVar:

NM_004247.4(EFTUD2):c.382C>T (p.Leu128Phe)

Gene: EFTUD2 (elongation factor Tu GTP binding domain containing 2; minus strand). Cytogenetic location: 17q21.31.
Variant type: single nucleotide variant.
Coding change: c.382C>T on transcript NM_004247.4 (MANE Select); coding-DNA position 382, C replaced by T.
Protein change: p.Leu128Phe; replaces leucine 128 with phenylalanine.
Molecular consequence: missense variant.
Genome position (GRCh38, 1-based): chr17:44,883,693, G>A on the plus strand (C>T on the coding strand, the complement: EFTUD2 is on the minus strand). VCF-style: chr17-44883693-G-A. GRCh37 (hg19) VCF-style: chr17-42961061-G-A.
Other names: c.277C>T, p.Leu93Phe (NM_001142605.2); c.382C>T, p.Leu128Phe (NM_001258353.2, NM_001258354.2); short protein forms L128F, L93F.
Identifiers: ClinVar variation 2443465 (VCV002443465.1), dbSNP rs2051113779, ClinGen allele CA399825184.

ClinVar aggregate classification (germline): Uncertain significance (1 of 4 stars; one submission).

Submission:

GeneDx
Classification: Uncertain significance. Last evaluated: 2022-09-08. Review status: criteria provided, single submitter. Criteria: GeneDx Variant Classification Process June 2021. Collection method: clinical testing. Allele origin: germline. Affected: yes.
Comment: Not observed at significant frequency in large population cohorts (gnomAD); In silico analysis supports that this missense variant has a deleterious effect on protein structure/function; Has not been previously published as pathogenic or benign to our knowledge